The following is an entry in ClinVar:

ClinVar aggregate classification (germline): Conflicting classifications of pathogenicity. Review status: criteria provided, conflicting classifications (1 of 4 stars). 4 submissions from 4 submitters: Uncertain significance (2); Likely benign (2). Last evaluated 2026-01-07.

Conditions:
Amish lethal microcephaly (MCPHA). Also called: MICROCEPHALY, AMISH TYPE; THIAMINE METABOLISM DYSFUNCTION SYNDROME 3 (MICROCEPHALY TYPE). Identifiers: Orphanet 99742, MedGen C1846648, MONDO:0011790, OMIM 607196.

Allele frequency attached by ClinVar (database versions not stated): ESP Exome Variant Server 0.00008; 1000 Genomes Project 30x 0.00016; gnomAD 0.00016 and 0.00022; 1000 Genomes Project 0.00020; TOPMed 0.00022; gnomAD exomes 0.00023 and 0.00025; ExAC 0.00026.
gnomAD v4.1: 377 of 1,614,070 alleles (0.023%); highest among the groups gnomAD compares: South Asian, 0.12%; 1 homozygote.

Submissions (4):

Labcorp Genetics (formerly Invitae), Labcorp
Classification: Likely benign. Last evaluated: 2026-01-07. Review status: criteria provided, single submitter. Criteria: Invitae Variant Classification Sherloc (09022015). Collection method: clinical testing. Allele origin: germline.

Illumina Laboratory Services, Illumina
Classification: Uncertain significance for Amish lethal microcephaly. Last evaluated: 2018-04-06. Review status: criteria provided, single submitter. Criteria: ICSL Variant Classification Criteria 13 December 2019. Collection method: clinical testing. Allele origin: germline.

GeneDx
Classification: Likely benign. Last evaluated: 2018-01-17. Review status: criteria provided, single submitter. Criteria: GeneDx Variant Classification (06012015). Collection method: clinical testing. Allele origin: germline. Affected: yes.
Comment: This variant is considered likely benign or benign based on one or more of the following criteria: it is a conservative change, it occurs at a poorly conserved position in the protein, it is predicted to be benign by multiple in silico algorithms, and/or has population frequency not consistent with disease.

Eurofins Ntd Llc (ga)
Classification: Uncertain significance. Last evaluated: 2017-08-01. Review status: criteria provided, single submitter. Criteria: EGL Classification Definitions 2015. Collection method: clinical testing. Allele origin: germline. Observed: 3 variant alleles, 3 heterozygotes.

NM_001126121.2(SLC25A19):c.504C>T (p.Ser168=)

Gene: SLC25A19 (solute carrier family 25 member 19; minus strand). Cytogenetic location: 17q25.1.
Variant type: single nucleotide variant.
Coding change: c.504C>T on transcript NM_001126121.2 (MANE Select); coding-DNA position 504, C replaced by T.
Protein change: p.Ser168=; no amino-acid change (serine 168 retained).
Molecular consequence: synonymous variant.
Genome position (GRCh38, 1-based): chr17:75,278,291, G>A on the plus strand (C>T on the coding strand, the complement: SLC25A19 is on the minus strand). VCF-style: chr17-75278291-G-A. GRCh37 (hg19) VCF-style: chr17-73274372-G-A.
Other names: c.504C>T, p.Ser168= (NM_001126122.2, NM_021734.5).
Identifiers: ClinVar variation 285906 (VCV000285906.18), dbSNP rs148474667, ClinGen allele CA8760968.